The following is an entry in ClinVar:

NM_000466.3(PEX1):c.1096G>T (p.Asp366Tyr)

Gene: PEX1 (peroxisomal biogenesis factor 1; minus strand). Cytogenetic location: 7q21.2.
Variant type: single nucleotide variant.
Coding change: c.1096G>T on transcript NM_000466.3 (MANE Select); coding-DNA position 1096, G replaced by T.
Protein change: p.Asp366Tyr; replaces aspartic acid 366 with tyrosine.
Molecular consequence: missense variant.
Genome position (GRCh38, 1-based): chr7:92,517,419, C>A on the plus strand (G>T on the coding strand, the complement: PEX1 is on the minus strand). VCF-style: chr7-92517419-C-A. GRCh37 (hg19) VCF-style: chr7-92146733-C-A.
Other names: c.1096G>T, p.Asp366Tyr (NM_001282677.2); c.472G>T, p.Asp158Tyr (NM_001282678.2); short protein forms D158Y, D366Y.
Identifiers: ClinVar variation 1714520 (VCV001714520.5), dbSNP rs2484702305, ClinGen allele CA368198099.

ClinVar aggregate classification (germline): Uncertain significance (1 of 4 stars; one submission).

Conditions:
Zellweger spectrum disorders (ZS). Also called: Zellweger syndrome; Zellweger Spectrum Disorder; Zellweger Spectrum; Zellweger Spectrum Disorder (ZSD). Identifiers: Orphanet 912, MedGen C0043459, MONDO:0019609.

Submission:

Labcorp Genetics (formerly Invitae), Labcorp
Classification: Uncertain significance for Zellweger spectrum disorders. Last evaluated: 2022-07-30. Review status: criteria provided, single submitter. Criteria: Invitae Variant Classification Sherloc (09022015). Collection method: clinical testing. Allele origin: germline.
Comment: In summary, the available evidence is currently insufficient to determine the role of this variant in disease. Therefore, it has been classified as a Variant of Uncertain Significance. Algorithms developed to predict the effect of missense changes on protein structure and function are either unavailable or do not agree on the potential impact of this missense change (SIFT: "Tolerated"; PolyPhen-2: "Possibly Damaging"; Align-GVGD: "Class C0"). This variant has not been reported in the literature in individuals affected with PEX1-related conditions. This variant is not present in population databases (gnomAD no frequency). This sequence change replaces aspartic acid, which is acidic and polar, with tyrosine, which is neutral and polar, at codon 366 of the PEX1 protein (p.Asp366Tyr).